The following is an entry in ClinVar:

NM_000260.4(MYO7A):c.1842C>G (p.Phe614Leu)

Gene: MYO7A (myosin VIIA; plus strand). Cytogenetic location: 11q13.5.
Variant type: single nucleotide variant.
Coding change: c.1842C>G on transcript NM_000260.4 (MANE Select); coding-DNA position 1842, C replaced by G.
Protein change: p.Phe614Leu; replaces phenylalanine 614 with leucine.
Molecular consequence: missense variant.
Genome position (GRCh38, 1-based): chr11:77,172,792, C>G. VCF-style: chr11-77172792-C-G. GRCh37 (hg19) VCF-style: chr11-76883838-C-G.
Other names: c.1842C>G, p.Phe614Leu (NM_001127180.2); c.1809C>G, p.Phe603Leu (NM_001369365.1); short protein forms F603L, F614L.
Identifiers: ClinVar variation 2129348 (VCV002129348.4), dbSNP rs1555077076, ClinGen allele CA381938346.

ClinVar aggregate classification (germline): Uncertain significance (1 of 4 stars; one submission).

Submission:

Labcorp Genetics (formerly Invitae), Labcorp
Classification: Uncertain significance. Last evaluated: 2022-04-22. Review status: criteria provided, single submitter. Criteria: Invitae Variant Classification Sherloc (09022015). Collection method: clinical testing. Allele origin: germline.
Comment: In summary, the available evidence is currently insufficient to determine the role of this variant in disease. Therefore, it has been classified as a Variant of Uncertain Significance. Advanced modeling of protein sequence and biophysical properties (such as structural, functional, and spatial information, amino acid conservation, physicochemical variation, residue mobility, and thermodynamic stability) performed at Invitae indicates that this missense variant is expected to disrupt MYO7A protein function. This variant has not been reported in the literature in individuals affected with MYO7A-related conditions. This variant is not present in population databases (gnomAD no frequency). This sequence change replaces phenylalanine, which is neutral and non-polar, with leucine, which is neutral and non-polar, at codon 614 of the MYO7A protein (p.Phe614Leu).